The following is an entry in ClinVar:

NM_177438.3(DICER1):c.5422A>G (p.Met1808Val)

Gene: DICER1 (dicer 1, ribonuclease III; minus strand). Cytogenetic location: 14q32.13.
Variant type: single nucleotide variant.
Coding change: c.5422A>G on transcript NM_177438.3 (MANE Select); coding-DNA position 5422, A replaced by G.
Protein change: p.Met1808Val; replaces methionine 1808 with valine.
Molecular consequence: missense variant. On other transcripts: intron variant (1).
Genome position (GRCh38, 1-based): chr14:95,091,308, T>C on the plus strand (A>G on the coding strand, the complement: DICER1 is on the minus strand). VCF-style: chr14-95091308-T-C. GRCh37 (hg19) VCF-style: chr14-95557645-T-C.
Other names: NM_177438.3(DICER1):c.5422A>G; p.Met1808Val; c.5422A>G, p.Met1808Val (NM_001271282.3, NM_001291628.2, NM_030621.4); c.5365-199A>G (NM_001195573.1); short protein forms M1808V.
Identifiers: ClinVar variation 477260 (VCV000477260.19), dbSNP rs763241498, ClinGen allele CA390864692.

ClinVar aggregate classification (germline): Uncertain significance. Review status: reviewed by expert panel (3 of 4 stars). 4 submissions from 4 submitters: Uncertain significance (1). 3 of the submissions do not count toward it. Last evaluated 2026-09-01.

Conditions:
DICER1-related tumor predisposition. Also called: DICER1 syndrome; DICER1-related pleuropulmonary blastoma cancer predisposition syndrome. Identifiers: Orphanet 284343, MedGen C3839822, MONDO:0100216.
Hereditary cancer-predisposing syndrome. Also called: Tumor predisposition; Hereditary Cancer Syndrome; Hereditary neoplastic syndrome; Neoplastic Syndromes, Hereditary. Identifiers: Orphanet 140162, MedGen C0027672, MeSH D009386, MONDO:0015356.

Submissions (4):

ClinGen DICER1 and miRNA-Processing Gene Variant Curation Expert Panel, ClinGen
Classification: Uncertain significance for DICER1-related tumor predisposition. Last evaluated: 2026-09-01. Review status: reviewed by expert panel. Criteria: ClinGen DICER1 and miRNA-Processing Gene Expert Panel Specifications to the ACMG/AMP Variant Interpretation Guidelines for DICER1 Version 1.4. Collection method: curation. Allele origin: germline. Inheritance: Autosomal dominant inheritance.
Comment: The NM_177438.3:c.5422A>G variant in DICER1 is a missense variant predicted to cause substitution of methionine by valine at amino acid 1808 (p.Met1808Val). Although this variant has been observed in individuals undergoing genetic sequencing, to our knowledge, this variant has not been reported in individuals with DICER1-related tumor predisposition (PS4 not met; Internal lab contributors). This variant has an allele frequency of 0.0000008475 (1/1614140 alleles) across gnomAD v4.1.0 with no more than one allele in any subpopulation, which is lower than the ClinGen DICER1 VCEP threshold (<0.000005) for PM2_Supporting, and therefore meets this criterion (PM2_Supporting). The computational predictor REVEL gives a score of 0.656, which is neither above nor below the thresholds predicting a damaging or benign impact on DICER1 function (PP3 and BP4 not met). This variant resides within the RNase IIIb mutational hotspot domain with critical functionality as defined by the ClinGen DICER1 VCEP (PM1_Supporting; PMID: 31342592). In summary, this variant meets the criteria to be classified as Uncertain Significance for DICER1-related tumor predisposition based on the ACMG/AMP criteria applied, as specified by the ClinGen DICER1 VCEP: PM1_Supporting, PM2_Supporting. (VCEP specifications version 1.4.0). Based on Tavtigian et al 2020 (PMID:32720330), the total points applied = 2, which equates to a classification of VUS.

Labcorp Genetics (formerly Invitae), Labcorp
Classification: Uncertain significance for DICER1-related tumor predisposition. Last evaluated: 2024-08-28. Review status: criteria provided, single submitter. Criteria: Invitae Variant Classification Sherloc (09022015). Collection method: clinical testing. Allele origin: germline. Not counted in ClinVar's aggregate classification.
Comment: This sequence change replaces methionine, which is neutral and non-polar, with valine, which is neutral and non-polar, at codon 1808 of the DICER1 protein (p.Met1808Val). This variant is not present in population databases (gnomAD no frequency). This variant has not been reported in the literature in individuals affected with DICER1-related conditions. ClinVar contains an entry for this variant (Variation ID: 477260). An algorithm developed to predict the effect of missense changes on protein structure and function (PolyPhen-2) suggests that this variant is likely to be disruptive. In summary, the available evidence is currently insufficient to determine the role of this variant in disease. Therefore, it has been classified as a Variant of Uncertain Significance.

Ambry Genetics
Classification: Uncertain significance for Hereditary cancer-predisposing syndrome. Last evaluated: 2023-09-21. Review status: criteria provided, single submitter. Criteria: Ambry Variant Classification Scheme 2023. Collection method: clinical testing. Allele origin: germline. Not counted in ClinVar's aggregate classification.
Comment: The p.M1808V variant (also known as c.5422A>G), located in coding exon 24 of the DICER1 gene, results from an A to G substitution at nucleotide position 5422. The methionine at codon 1808 is replaced by valine, an amino acid with highly similar properties. This amino acid position is highly conserved in available vertebrate species. In addition, this alteration is predicted to be deleterious by in silico analysis. Since supporting evidence is limited at this time, the clinical significance of this alteration remains unclear.

Quest Diagnostics Nichols Institute San Juan Capistrano
Classification: Uncertain significance. Last evaluated: 2022-12-03. Review status: criteria provided, single submitter. Criteria: Quest Diagnostics criteria. Collection method: clinical testing. Allele origin: unknown. Not counted in ClinVar's aggregate classification.
Comment: The variant has not been reported in the published literature. The frequency of this variant in the general population, 0.000004 (1/251486 chromosomes), is uninformative in assessment of its pathogenicity. Analysis of this variant using bioinformatics tools for the prediction of the effect of amino acid changes on protein structure and function yielded predictions that this variant is damaging. Based on the available information, we are unable to determine the clinical significance of this variant.